The following is an entry in ClinVar:

ClinVar aggregate classification (germline): Uncertain significance (1 of 4 stars; one submission).

Conditions:
Hereditary cancer-predisposing syndrome. Also called: Tumor predisposition; Neoplastic Syndromes, Hereditary; Hereditary neoplastic syndrome; Hereditary Cancer Syndrome. Identifiers: Orphanet 140162, MedGen C0027672, MeSH D009386, MONDO:0015356.

Submission:

Ambry Genetics
Classification: Uncertain significance for Hereditary cancer-predisposing syndrome. Last evaluated: 2024-08-29. Review status: criteria provided, single submitter. Criteria: Ambry Variant Classification Scheme 2023. Collection method: clinical testing. Allele origin: germline.
Comment: The c.4886_4888delTGG variant (also known as p.V1629del) is located in coding exon 31 of the ATM gene. This variant results from an in-frame TGG deletion at nucleotide positions 4886 to 4888. This results in the in-frame deletion of a valine at codon 1629. This amino acid position is poorly conserved in available vertebrate species. In addition, the in silico prediction for this alteration is inconclusive (Choi Y et al. PLoS ONE. 2012; 7(10):e46688). Based on the available evidence, the clinical significance of this variant remains unclear.

NM_000051.4(ATM):c.4883TGG[1] (p.Val1629del)

Gene: ATM (ATM serine/threonine kinase; plus strand). Cytogenetic location: 11q22.3.
Variant type: Microsatellite.
Coding change: c.4883TGG[1] on transcript NM_000051.4 (MANE Select); one copy of the 3-base unit TGG starting at c.4883; the reference has two copies in a row; one copy, 3 bases deleted.
Protein change: p.Val1629del; deletes valine 1629.
Molecular consequence: inframe indel (on NM_000051.3).
Genome position (GRCh38, 1-based): chr11:108,295,036-108,295,038, TGG deleted; deleting any 3 consecutive bases within chr11:108,295,033-108,295,038 gives the same sequence; the position shown is the placement nearest the transcript's 3' end. VCF-style (leftmost placement, unchanged base first): chr11-108295032-ATGG-A. GRCh37 (hg19) VCF-style: chr11-108165759-ATGG-A.
Other names: c.4883_4885TGG[1], p.Val1629del (NM_000051.3); c.4883TGG[1], p.Val1629del (NM_001351834.2); c.4886_4888delTGG (NM_000051.3); short protein forms V1629del.
Identifiers: ClinVar variation 3450576 (VCV003450576.1).